The following is an entry in ClinVar:

ClinVar aggregate classification (germline): Uncertain significance (1 of 4 stars; one submission).

Submission:

GeneDx
Classification: Uncertain significance. Last evaluated: 2022-02-10. Review status: criteria provided, single submitter. Criteria: GeneDx Variant Classification Process June 2021. Collection method: clinical testing. Allele origin: germline. Affected: yes.
Comment: Not observed at significant frequency in large population cohorts (gnomAD); In silico analysis supports that this missense variant has a deleterious effect on protein structure/function; Has not been previously published as pathogenic or benign to our knowledge; Occurs in the triple helical domain at the X position in the canonical Gly-X-Y repeat; although this variant may have an effect on normal protein folding and function, missense substitution at the X position is not a common mechanism of disease

NM_001845.6(COL4A1):c.584C>G (p.Pro195Arg)

Gene: COL4A1 (collagen type IV alpha 1 chain; minus strand). Cytogenetic location: 13q34.
Variant type: single nucleotide variant.
Coding change: c.584C>G on transcript NM_001845.6 (MANE Select); coding-DNA position 584, C replaced by G.
Protein change: p.Pro195Arg; replaces proline 195 with arginine.
Molecular consequence: missense variant.
Genome position (GRCh38, 1-based): chr13:110,210,011, G>C on the plus strand (C>G on the coding strand, the complement: COL4A1 is on the minus strand). VCF-style: chr13-110210011-G-C. GRCh37 (hg19) VCF-style: chr13-110862358-G-C.
Other names: c.584C>G, p.Pro195Arg (NM_001303110.2); short protein forms P195R.
Identifiers: ClinVar variation 1700745 (VCV001700745.2), dbSNP rs2139202272, ClinGen allele CA388725488.
Genomic context (GRCh38, chr13:110,210,011, plus strand): 5'-GCCTCGGAGAGACAGCCCCCAAAACTTACTGGTGGTCCGGTAAATCCTGGAGGCCCAACA[G>C]GACCTTGAAGCCCTGGCAGTCCTGGTGGGCCCTAGAATGCATGAGAAAGAAATGAGTTCA-3'
Protein context (NP_001836.3, residues 185-205): GPPGLPGLQG[Pro195Arg]VGPPGFTGPP